The following is an entry in ClinVar:

ClinVar aggregate classification (germline): Pathogenic (1 of 4 stars; one submission).

Allele frequency attached by ClinVar (database versions not stated): ExAC 0.00001; gnomAD 0.00001; TOPMed 0.00001.

Submission:

Labcorp Genetics (formerly Invitae), Labcorp
Classification: Pathogenic. Last evaluated: 2023-05-16. Review status: criteria provided, single submitter. Criteria: Invitae Variant Classification Sherloc (09022015). Collection method: clinical testing. Allele origin: germline.
Comment: This variant has not been reported in the literature in individuals affected with OTOF-related conditions. This sequence change creates a premature translational stop signal (p.Leu1184Asnfs*20) in the OTOF gene. It is expected to result in an absent or disrupted protein product. Loss-of-function variants in OTOF are known to be pathogenic (PMID: 18381613, 19250381, 22575033). This variant is present in population databases (rs746469117, gnomAD 0.007%). For these reasons, this variant has been classified as Pathogenic.

Literature cited by the submitters: PubMed 18381613; PubMed 19250381; PubMed 22575033.

NM_194248.3(OTOF):c.3549_3550insAA (p.Leu1184fs)

Gene: OTOF (otoferlin; minus strand). Cytogenetic location: 2p23.3.
Variant type: Insertion.
Coding change: c.3549_3550insAA on transcript NM_194248.3 (MANE Select); coding-DNA positions 3549 to 3550, AA inserted.
Protein change: p.Leu1184fs; shifts the reading frame from leucine 1184.
Molecular consequence: frameshift variant.
Genome position: GRCh38 VCF-style: chr2-26473426-G-GTT. GRCh37 (hg19) VCF-style: chr2-26696294-G-GTT.
Other names: c.3549_3550insAA, p.Leu1184fs (NM_001287489.2); c.1308_1309insAA, p.Leu437fs (NM_004802.4, NM_194323.3); c.1479_1480insAA, p.Leu494fs (NM_194322.3); short protein forms L1184fs, L437fs, L494fs.
Identifiers: ClinVar variation 2831401 (VCV002831401.3), dbSNP rs746469117, ClinGen allele CA1563530.
Genomic context (GRCh38, chr2:26,473,426, plus strand): 5'-CACTGGCCACAGGATGTCCTCCGCCAGGGCCTGCACTCACCACTTCAAACCACTTGACGA[G>GTT]GGTGTTGAAGTTGGGGTTCTTCTTATAATTGTGGATCAGGGACGACTGCACCCCCTTCCC-3'